The following is an entry in ClinVar:

ClinVar aggregate classification (germline): Uncertain significance (0 of 4 stars; one submission).

Conditions:
FLNA-related disorder.

Submission:

PreventionGenetics, part of Exact Sciences
Classification: Uncertain significance for FLNA-related condition. Last evaluated: 2024-04-25. Review status: no assertion criteria provided. Collection method: clinical testing. Allele origin: germline.
Comment: The FLNA c.7266G>C variant is predicted to result in the amino acid substitution p.Glu2422Asp. To our knowledge, this variant has not been reported in the literature. This variant is reported in 0.0052% of alleles in individuals of South Asian descent in gnomAD. At this time, the clinical significance of this variant is uncertain due to the absence of conclusive functional and genetic evidence.

NM_001110556.2(FLNA):c.7266G>C (p.Glu2422Asp)

Gene: FLNA (filamin A; minus strand). Cytogenetic location: Xq28.
Variant type: single nucleotide variant.
Coding change: c.7266G>C on transcript NM_001110556.2 (MANE Select); coding-DNA position 7266, G replaced by C.
Protein change: p.Glu2422Asp; replaces glutamic acid 2422 with aspartic acid.
Molecular consequence: missense variant.
Genome position (GRCh38, 1-based): chrX:154,350,098, C>G on the plus strand (G>C on the coding strand, the complement: FLNA is on the minus strand). VCF-style: chrX-154350098-C-G. GRCh37 (hg19) VCF-style: chrX-153578466-C-G.
Other names: c.7242G>C, p.Glu2414Asp (NM_001456.4); short protein forms E2414D, E2422D.
Identifiers: ClinVar variation 3347220 (VCV003347220.1).